The following is an entry in ClinVar:

NM_000071.3(CBS):c.1083G>A (p.Ala361=)

Gene: CBS (cystathionine beta-synthase; minus strand). Cytogenetic location: 21q22.3.
Variant type: single nucleotide variant.
Coding change: c.1083G>A on transcript NM_000071.3 (MANE Select); coding-DNA position 1083, G replaced by A.
Protein change: p.Ala361=; no amino-acid change (alanine 361 retained).
Molecular consequence: synonymous variant.
Genome position (GRCh38, 1-based): chr21:43,060,503, C>T on the plus strand (G>A on the coding strand, the complement: CBS is on the minus strand). VCF-style: chr21-43060503-C-T. GRCh37 (hg19) VCF-style: chr21-44480613-C-T.
Other names: c.1083G>A, p.Ala361= (NM_001178008.3, NM_001178009.3, NM_001320298.2); c.768G>A, p.Ala256= (NM_001321072.1).
Identifiers: ClinVar variation 1691166 (VCV001691166.29), dbSNP rs781323559, ClinGen allele CA321689748.

ClinVar aggregate classification (germline): Likely benign. Review status: criteria provided, multiple submitters, no conflicts (2 of 4 stars). 4 submissions from 4 submitters: Likely benign (4). Last evaluated 2025-12-20.

Conditions:
HYPERHOMOCYSTEINEMIA, THROMBOTIC, CBS-RELATED. Identifiers: MedGen C3150344, OMIM 236200.
Familial thoracic aortic aneurysm and aortic dissection (TAAD). Also called: Thoracic aortic aneurysms and dissections. Identifiers: Orphanet 91387, MedGen C4707243, MONDO:0019625.

Allele frequency attached by ClinVar (database versions not stated): ExAC 0.00003; gnomAD exomes 0.00003.

Submissions (4):

Labcorp Genetics (formerly Invitae), Labcorp
Classification: Likely benign for HYPERHOMOCYSTEINEMIA, THROMBOTIC, CBS-RELATED. Last evaluated: 2025-12-20. Review status: criteria provided, single submitter. Criteria: Invitae Variant Classification Sherloc (09022015). Collection method: clinical testing. Allele origin: germline.

CeGaT Center for Human Genetics Tuebingen
Classification: Likely benign. Last evaluated: 2024-04-01. Review status: criteria provided, single submitter. Criteria: CeGaT Center For Human Genetics Tuebingen Variant Classification Criteria Version 2. Collection method: clinical testing. Allele origin: germline. Affected: yes. Observed: 1 variant allele.
Comment: CBS: BP4, BP7

Ambry Genetics
Classification: Likely benign for Familial thoracic aortic aneurysm and aortic dissection. Last evaluated: 2022-06-09. Review status: criteria provided, single submitter. Criteria: Ambry Variant Classification Scheme 2023. Collection method: clinical testing. Allele origin: germline.

GeneDx
Classification: Likely benign. Last evaluated: 2021-10-01. Review status: criteria provided, single submitter. Criteria: GeneDx Variant Classification Process June 2021. Collection method: clinical testing. Allele origin: germline. Affected: yes.
Comment: See Variant Classification Assertion Criteria.